The following is an entry in ClinVar:

ClinVar aggregate classification (germline): Likely benign (1 of 4 stars; one submission).

Submission:

CeGaT Center for Human Genetics Tuebingen
Classification: Likely benign. Last evaluated: 2025-09-01. Review status: criteria provided, single submitter. Criteria: CeGaT Center For Human Genetics Tuebingen Variant Classification Criteria Version 2. Collection method: clinical testing. Allele origin: germline. Affected: yes. Observed: 1 variant allele.
Comment: EXOSC2: PM2:Supporting, BP4, BP7

NM_014285.7(EXOSC2):c.207G>C (p.Val69=)

Gene: EXOSC2 (exosome component 2; plus strand). Cytogenetic location: 9q34.12.
Variant type: single nucleotide variant.
Coding change: c.207G>C on transcript NM_014285.7 (MANE Select); coding-DNA position 207, G replaced by C.
Protein change: p.Val69=; no amino-acid change (valine 69 retained).
Molecular consequence: synonymous variant. On other transcripts: non-coding transcript variant (1).
Genome position (GRCh38, 1-based): chr9:130,695,576, G>C. VCF-style: chr9-130695576-G-C. GRCh37 (hg19) VCF-style: chr9-133570963-G-C.
Other names: c.207G>C, p.Val69= (NM_001282708.1, NM_001282709.1).
Identifiers: ClinVar variation 4281352 (VCV004281352.7).
Genomic context (GRCh38, chr9:130,695,576, plus strand): 5'-AGAGAAGCTCATTGCATCTGTTGCTGGCTCTGTGGAGAGAGTAAACAAGTTGATCTGTGT[G>C]AAAGCTTTGAAAACCAGGTGAGAACAAAAGGTGTGTATTCCCTTTCTTGCAGCATCAGGT-3'
Protein context (NP_055100.2, residues 59-79): SVERVNKLIC[Val69=]KALKTRYIGE